The following is an entry in ClinVar:

NM_001127511.3(APC):c.-11C>T

Gene: APC (APC regulator of Wnt signaling pathway; plus strand). Cytogenetic location: 5q22.2.
Variant type: single nucleotide variant.
Coding change: c.-11C>T on transcript NM_001127511.3; 11 bases upstream of the start codon, C replaced by T.
Molecular consequence: 5 prime UTR variant. On other transcripts: non-coding transcript variant (1), intron variant (5).
Genome position (GRCh38, 1-based): chr5:112,707,707, C>T. VCF-style: chr5-112707707-C-T. GRCh37 (hg19) VCF-style: chr5-112043404-C-T.
Other names: c.-194C>T (NM_001354895.2, NM_001407447.1, NM_001407452.1 and 3 more transcripts); c.-11C>T (NM_001354897.2, NM_001354902.2, NM_001407446.1); c.-1229C>T (NM_001407470.1, NM_001407472.1); c.-19+58C>T (NM_001407448.1, NM_001407450.1, NM_001407457.1 and 1 more transcripts); c.-43+58C>T (NM_001407453.1).
Identifiers: ClinVar variation 1022239 (VCV001022239.9), dbSNP rs1750599043, ClinGen allele CA1573442652.

ClinVar aggregate classification (germline): Uncertain significance (1 of 4 stars; one submission).

Conditions:
Familial adenomatous polyposis 1 (FAP1). Also called: FAMILIAL ADENOMATOUS POLYPOSIS 1, ATTENUATED; POLYPOSIS, ADENOMATOUS INTESTINAL. Identifiers: MedGen C2713442, MONDO:0021056, OMIM 175100. Disease mechanism: loss of function.

Allele frequency attached by ClinVar (database versions not stated): gnomAD exomes below 0.00001.
gnomAD v4.1: 1 of 1,370,656 alleles (0.000073%); highest among the groups gnomAD compares: South Asian, 0.0012%; no homozygotes.

Submission:

Labcorp Genetics (formerly Invitae), Labcorp
Classification: Uncertain significance for Familial adenomatous polyposis 1. Last evaluated: 2025-10-25. Review status: criteria provided, single submitter. Criteria: Invitae Variant Classification Sherloc (09022015). Collection method: clinical testing. Allele origin: germline.
Comment: This variant occurs in a non-coding region of the APC gene. It does not change the encoded amino acid sequence of the APC protein. This variant is not present in population databases (gnomAD no frequency). This variant has not been reported in the literature in individuals affected with APC-related conditions. Experimental studies and prediction algorithms are not available or were not evaluated, and the functional significance of this variant is currently unknown. In summary, the available evidence is currently insufficient to determine the role of this variant in disease. Therefore, it has been classified as a Variant of Uncertain Significance.